The following is an entry in ClinVar:

ClinVar aggregate classification (germline): Uncertain significance (1 of 4 stars; one submission).

Conditions:
Hereditary cancer-predisposing syndrome. Also called: Hereditary neoplastic syndrome; Neoplastic Syndromes, Hereditary; Tumor predisposition; Hereditary Cancer Syndrome. Identifiers: Orphanet 140162, MedGen C0027672, MeSH D009386, MONDO:0015356.

gnomAD v4.1: 1 of 1,614,254 alleles (0.000062%); highest among the groups gnomAD compares: East Asian, 0.0022%; no homozygotes.

Submission:

Ambry Genetics
Classification: Uncertain significance for Hereditary cancer-predisposing syndrome. Last evaluated: 2025-03-04. Review status: criteria provided, single submitter. Criteria: Ambry Variant Classification Scheme 2023. Collection method: clinical testing. Allele origin: germline.
Comment: The p.I795V variant (also known as c.2383A>G), located in coding exon 14 of the ALK gene, results from an A to G substitution at nucleotide position 2383. The isoleucine at codon 795 is replaced by valine, an amino acid with highly similar properties. This amino acid position is conserved. In addition, this alteration is predicted to be tolerated by in silico analysis. Based on the available evidence, the clinical significance of this variant remains unclear.

NM_004304.5(ALK):c.2383A>G (p.Ile795Val)

Gene: ALK (ALK receptor tyrosine kinase; minus strand). Cytogenetic location: 2p23.2.
Variant type: single nucleotide variant.
Coding change: c.2383A>G on transcript NM_004304.5 (MANE Select); coding-DNA position 2383, A replaced by G.
Protein change: p.Ile795Val; replaces isoleucine 795 with valine.
Molecular consequence: missense variant.
Genome position (GRCh38, 1-based): chr2:29,233,669, T>C on the plus strand (A>G on the coding strand, the complement: ALK is on the minus strand). VCF-style: chr2-29233669-T-C. GRCh37 (hg19) VCF-style: chr2-29456535-T-C.
Other names: short protein forms I795V.
Identifiers: ClinVar variation 3856041 (VCV003856041.1).